The following is an entry in ClinVar:

NM_000478.6(ALPL):c.901A>T (p.Arg301Trp)

Gene: ALPL (alkaline phosphatase, biomineralization associated; plus strand). Cytogenetic location: 1p36.12.
Variant type: single nucleotide variant.
Coding change: c.901A>T on transcript NM_000478.6 (MANE Select); coding-DNA position 901, A replaced by T.
Protein change: p.Arg301Trp; replaces arginine 301 with tryptophan.
Molecular consequence: missense variant.
Genome position (GRCh38, 1-based): chr1:21,573,703, A>T. VCF-style: chr1-21573703-A-T. GRCh37 (hg19) VCF-style: chr1-21900196-A-T.
Other names: c.736A>T, p.Arg246Trp (NM_001127501.4); c.670A>T, p.Arg224Trp (NM_001177520.3); c.901A>T, p.Arg301Trp (NM_001369803.2, NM_001369804.2, NM_001369805.2); short protein forms R224W, R246W, R301W.
Identifiers: ClinVar variation 4086847 (VCV004086847.1).

ClinVar aggregate classification (germline): Uncertain significance (1 of 4 stars; one submission).

Conditions:
Hypophosphatasia. Also called: Phosphoethanol-aminuria. Identifiers: Orphanet 436, MedGen C0020630, MeSH D007014, MONDO:0018570.

Submission:

Genomenon, Inc
Classification: Uncertain significance for Hypophosphatasia. Last evaluated: 2025-08-29. Review status: criteria provided, single submitter. Criteria: Genomenon Sequence Variant Interpretation Standards. Collection method: curation. Allele origin: germline. Affected: yes.
Comment: ALPL c.901A>T is a missense variant that changes the amino acid at residue 301 from Arginine to Tryptophan. This variant has been observed in at least one proband affected with hypophosphatasia (PMID:31793067). It is absent or not present at a significant frequency in gnomAD. In silico models agree that this variant is possibly or probably damaging. In conclusion, we classify ALPL p.Arg301Trp (c.901A>T) as a variant of unknown significance.

Literature cited by the submitters: PubMed 31793067.